The following is an entry in ClinVar:

NM_004974.4(KCNA2):c.1145C>G (p.Pro382Arg)

Gene: KCNA2 (potassium voltage-gated channel subfamily A member 2; minus strand). Cytogenetic location: 1p13.3.
Variant type: single nucleotide variant.
Coding change: c.1145C>G on transcript NM_004974.4 (MANE Select); coding-DNA position 1145, C replaced by G.
Protein change: p.Pro382Arg; replaces proline 382 with arginine.
Molecular consequence: missense variant. On other transcripts: intron variant (1).
Genome position (GRCh38, 1-based): chr1:110,603,638, G>C on the plus strand (C>G on the coding strand, the complement: KCNA2 is on the minus strand). VCF-style: chr1-110603638-G-C. GRCh37 (hg19) VCF-style: chr1-111146260-G-C.
Other names: c.1145C>G (NM_004974.3); c.894+251C>G (NM_001204269.2); short protein forms P382R.
Identifiers: ClinVar variation 4709771 (VCV004709771.2).

ClinVar aggregate classification (germline): Uncertain significance. Review status: criteria provided, multiple submitters, no conflicts (2 of 4 stars). 2 submissions from 2 submitters: Uncertain significance (2). Last evaluated 2026-06-03.

Conditions:
Developmental and epileptic encephalopathy, 32 (DEE32). Also called: Epileptic encephalopathy, early infantile, 32. Identifiers: Orphanet 442835, MedGen C4225350, MONDO:0014607, OMIM 616366.
Inborn genetic diseases. Identifiers: MedGen C0950123, MeSH D030342.

Submissions (2):

Ambry Genetics
Classification: Uncertain significance for Inborn genetic diseases. Last evaluated: 2026-06-03. Review status: criteria provided, single submitter. Criteria: Ambry Variant Classification Scheme 2023. Collection method: clinical testing. Allele origin: germline.

Labcorp Genetics (formerly Invitae), Labcorp
Classification: Uncertain significance for Developmental and epileptic encephalopathy, 32. Last evaluated: 2025-10-24. Review status: criteria provided, single submitter. Criteria: Invitae Variant Classification Sherloc (09022015). Collection method: clinical testing. Allele origin: germline.
Comment: This sequence change replaces proline, which is neutral and non-polar, with arginine, which is basic and polar, at codon 382 of the KCNA2 protein (p.Pro382Arg). This variant is not present in population databases (gnomAD no frequency). This variant has not been reported in the literature in individuals affected with KCNA2-related conditions. Invitae Evidence Modeling of protein sequence and biophysical properties (such as structural, functional, and spatial information, amino acid conservation, physicochemical variation, residue mobility, and thermodynamic stability) indicates that this missense variant is expected to disrupt KCNA2 protein function with a positive predictive value of 95%. In summary, the available evidence is currently insufficient to determine the role of this variant in disease. Therefore, it has been classified as a Variant of Uncertain Significance.